The following is an entry in ClinVar:

NM_006231.4(POLE):c.849C>T (p.Leu283=)

Gene: POLE (DNA polymerase epsilon, catalytic subunit; minus strand). Cytogenetic location: 12q24.33.
Variant type: single nucleotide variant.
Coding change: c.849C>T on transcript NM_006231.4 (MANE Select); coding-DNA position 849, C replaced by T.
Protein change: p.Leu283=; no amino-acid change (leucine 283 retained).
Molecular consequence: synonymous variant.
Genome position (GRCh38, 1-based): chr12:132,676,606, G>A on the plus strand (C>T on the coding strand, the complement: POLE is on the minus strand). VCF-style: chr12-132676606-G-A. GRCh37 (hg19) VCF-style: chr12-133253192-G-A.
Identifiers: ClinVar variation 3904200 (VCV003904200.1).
Genomic context (GRCh38, chr12:132,676,606, plus strand): 5'-CTGGCCATCGATCATGTAGGAAATCATCATAATCTGGTCTGTCTCAGCATCAGGAAACTT[G>A]AGGGGCAGTTTGGTCGTCTCAATGTCAAATGCCAAAACCACAGGGTCCTGTGGGGACAAA-3'
Protein context (NP_006222.2, residues 273-293): AFDIETTKLP[Leu283=]KFPDAETDQI

ClinVar aggregate classification (germline): Benign (1 of 4 stars; one submission).

Conditions:
Colorectal cancer, susceptibility to, 12 (CRCS12). Also called: COLORECTAL CANCER, SUSCEPTIBILITY TO, ON CHROMOSOME 12q24. Identifiers: Orphanet 220460, MedGen C3554460, MONDO:0014038, OMIM 615083.

Submission:

Myriad Genetics, Inc.
Classification: Benign for Colorectal cancer, susceptibility to, 12. Last evaluated: 2025-02-07. Review status: criteria provided, single submitter. Criteria: Myriad Autosomal Dominant, Autosomal Recessive and X-Linked Classification Criteria (2023). Collection method: clinical testing. Allele origin: unknown.
Comment: This variant is considered benign. This variant is a silent/synonymous amino acid change and it is not expected to impact splicing.